The following is an entry in ClinVar:

NM_001142730.3(KCTD1):c.2009G>A (p.Gly670Asp)

Gene: KCTD1 (potassium channel tetramerization domain containing 1; minus strand). Cytogenetic location: 18q11.2.
Variant type: single nucleotide variant.
Coding change: c.2009G>A on transcript NM_001142730.3 (MANE Select); coding-DNA position 2009, G replaced by A.
Protein change: p.Gly670Asp; replaces glycine 670 with aspartic acid.
Molecular consequence: missense variant.
Genome position (GRCh38, 1-based): chr18:26,476,639, C>T on the plus strand (G>A on the coding strand, the complement: KCTD1 is on the minus strand). VCF-style: chr18-26476639-C-T. GRCh37 (hg19) VCF-style: chr18-24056603-C-T.
Other names: c.185G>A, p.Gly62Asp (NM_001136205.2, NM_001258221.2, NM_001351443.1 and 1 more transcripts); c.209G>A, p.Gly70Asp (NM_001258222.3); short protein forms G62D, G670D, G70D.
Identifiers: ClinVar variation 55888 (VCV000055888.5), dbSNP rs587777003, ClinGen allele CA144001.

ClinVar aggregate classification (germline): Likely pathogenic. Review status: criteria provided, single submitter (1 of 4 stars). 3 submissions from 3 submitters: Likely pathogenic (1). 2 of the submissions do not count toward it. Last evaluated 2019-05-06.

Conditions:
Scalp-ear-nipple syndrome (SENS). Also called: SEN SYNDROME; FINLAY-MARKS SYNDROME; Hereditary syndrome of lumpy scalp, odd ears and rudimentary nipples. Identifiers: Orphanet 2036, MedGen C1867020, MONDO:0008404, OMIM 181270.

Submissions (3):

Rady Children's Institute for Genomic Medicine, Rady Children's Hospital San Diego
Classification: Likely pathogenic for SCALP-EAR-NIPPLE SYNDROME. Last evaluated: 2019-05-06. Review status: criteria provided, single submitter. Criteria: ACMG Guidelines, 2015. Collection method: clinical testing. Allele origin: germline. Affected: yes.
Comment: This variant has been previously reported as a heterozygous change in patients with Scalp-ear-nipple syndrome (PMID: 10517259, 23541344). It is absent from the ExAC and gnomAD population databases and thus is presumed to be rare. The c.185G>A (p.Gly62Asp) variant affects a highly conserved amino acid and is predicted by multiple in silico tools to have a deleterious effect on protein function. Based on the available evidence, the c.185G>A (p.Gly62Asp) variant is classified as Likely Pathogenic.

University of Washington Center for Mendelian Genomics, University of Washington
Classification: Pathogenic for Scalp-ear-nipple syndrome. Last evaluated: 2014-01-29. Review status: no assertion criteria provided. Collection method: research. Allele origin: unknown. Affected: yes. Not counted in ClinVar's aggregate classification.

OMIM
Classification: Pathogenic for SCALP-EAR-NIPPLE SYNDROME. Last evaluated: 2013-04-04. Review status: no assertion criteria provided. Collection method: literature only. Allele origin: germline. Not counted in ClinVar's aggregate classification.

Literature cited by the submitters: PubMed 23541344 (cited by University of Washington Center for Mendelian Genomics, University of Washington and OMIM); PubMed 10517259 (cited by OMIM).